The following is an entry in ClinVar:

ClinVar aggregate classification (germline): Likely benign. Review status: criteria provided, multiple submitters, no conflicts (2 of 4 stars). 2 submissions from 2 submitters: Likely benign (2). Last evaluated 2018-06-18.

Allele frequency attached by ClinVar (database versions not stated): 1000 Genomes Project 30x 0.03264; gnomAD 0.01819 and 0.02118; TOPMed 0.02021; 1000 Genomes Project 0.03494.
gnomAD v4.1: 10,205 of 427,052 alleles (2.4%); highest among the groups gnomAD compares: South Asian, 7.4%; 176 homozygotes.

Submissions (2):

GeneDx
Classification: Likely benign. Last evaluated: 2018-06-18. Review status: criteria provided, single submitter. Criteria: GeneDx Variant Classification (06012015). Collection method: clinical testing. Allele origin: germline. Affected: yes.
Comment: This variant is considered likely benign or benign based on one or more of the following criteria: it is a conservative change, it occurs at a poorly conserved position in the protein, it is predicted to be benign by multiple in silico algorithms, and/or has population frequency not consistent with disease.

Breakthrough Genomics
Classification: Likely benign. Review status: criteria provided, single submitter. Criteria: ACMG Guidelines, 2015. Collection method: not provided. Allele origin: germline. Inheritance: Autosomal recessive inheritance. Affected: yes.

NM_016006.4(ABHD5):c.-242G>A

Genes: ABHD5 (abhydrolase domain containing 5, lysophosphatidic acid acyltransferase; plus strand), ANO10 (anoctamin 10; minus strand). Cytogenetic location: 3p21.33.
Variant type: single nucleotide variant.
Coding change: c.-242G>A on transcript NM_016006.4; 242 bases upstream of the start codon, G replaced by A.
Molecular consequence: intron variant (on NM_001346469.2).
Genome position (GRCh38, 1-based): chr3:43,690,751, G>A. VCF-style: chr3-43690751-G-A. GRCh37 (hg19) VCF-style: chr3-43732243-G-A.
Other names: c.-12+766C>T (NM_001346469.2, NM_001346468.2).
Identifiers: ClinVar variation 670437 (VCV000670437.4), dbSNP rs116844757, ClinGen allele CA74390310.